The following is an entry in ClinVar:

ClinVar aggregate classification (germline): Likely benign. Review status: criteria provided, multiple submitters, no conflicts (2 of 4 stars). 3 submissions from 3 submitters: Likely benign (3). Last evaluated 2026-09-01.

Allele frequency attached by ClinVar (database versions not stated): ExAC 0.00073; gnomAD exomes 0.00081; gnomAD 0.00098 and 0.00101; TOPMed 0.00100; ESP Exome Variant Server 0.00131; 1000 Genomes Project 30x 0.00016; 1000 Genomes Project 0.00020.
gnomAD v4.1: 2,194 of 1,606,478 alleles (0.14%); highest among the groups gnomAD compares: Non-Finnish European, 0.17%; 3 homozygotes.

Submissions (3):

CeGaT Center for Human Genetics Tuebingen
Classification: Likely benign. Last evaluated: 2026-09-01. Review status: criteria provided, single submitter. Criteria: CeGaT Center For Human Genetics Tuebingen Variant Classification Criteria Version 2. Collection method: clinical testing. Allele origin: germline. Affected: yes. Observed: 4 variant alleles.
Comment: PLXNA1: BP4, BP7

Labcorp Genetics (formerly Invitae), Labcorp
Classification: Likely benign. Last evaluated: 2025-09-03. Review status: criteria provided, single submitter. Criteria: Invitae Variant Classification Sherloc (09022015). Collection method: clinical testing. Allele origin: germline.

Blueprint Genetics
Classification: Likely benign. Last evaluated: 2024-11-14. Review status: criteria provided, single submitter. Criteria: ACMG Guidelines, 2015. Collection method: clinical testing. Allele origin: germline.

NM_032242.4(PLXNA1):c.1401C>T (p.Pro467=)

Gene: PLXNA1 (plexin A1; plus strand). Cytogenetic location: 3q21.3.
Variant type: single nucleotide variant.
Coding change: c.1401C>T on transcript NM_032242.4 (MANE Select); coding-DNA position 1401, C replaced by T.
Protein change: p.Pro467=; no amino-acid change (proline 467 retained).
Molecular consequence: synonymous variant.
Genome position (GRCh38, 1-based): chr3:127,003,353, C>T. VCF-style: chr3-127003353-C-T. GRCh37 (hg19) VCF-style: chr3-126722196-C-T.
Identifiers: ClinVar variation 1577201 (VCV001577201.17), dbSNP rs146324374, ClinGen allele CA2593232.